The following is an entry in ClinVar:

NM_000059.4(BRCA2):c.3803C>A (p.Ser1268Tyr)

Gene: BRCA2 (BRCA2 DNA repair associated; plus strand). Cytogenetic location: 13q13.1.
Variant type: single nucleotide variant.
Coding change: c.3803C>A on transcript NM_000059.4 (MANE Select); coding-DNA position 3803, C replaced by A.
Protein change: p.Ser1268Tyr; replaces serine 1268 with tyrosine.
Molecular consequence: missense variant. On other transcripts: non-coding transcript variant (1), intron variant (2).
Genome position (GRCh38, 1-based): chr13:32,338,158, C>A. VCF-style: chr13-32338158-C-A. GRCh37 (hg19) VCF-style: chr13-32912295-C-A.
Other names: c.3803C>A, p.Ser1268Tyr (NM_001406719.1, NM_001406720.1, NM_001432077.1); c.1909+4771C>A (NM_001406721.1); c.425-6400C>A (NM_001406722.1); short protein forms S1268Y.
Identifiers: ClinVar variation 4802297 (VCV004802297.1).
Genomic context (GRCh38, chr13:32,338,158, plus strand): 5'-GTGAGGAAACTTCTGCAGAGGTACATCCAATAAGTTTATCTTCAAGTAAATGTCATGATT[C>A]TGTTGTTTCAATGTTTAAGATAGAAAATCATAATGATAAAACTGTAAGTGAAAAAAATAA-3'
Protein context (NP_000050.3, residues 1258-1278): ISLSSSKCHD[Ser1268Tyr]VVSMFKIENH

ClinVar aggregate classification (germline): Uncertain significance (1 of 4 stars; one submission).

Conditions:
Hereditary breast ovarian cancer syndrome. Also called: Hereditary breast and ovarian cancer syndrome (HBOC); Hereditary breast and ovarian cancer; Breast and ovarian cancer; Hereditary breast and/or ovarian cancer syndrome; BRCA1- and BRCA2-Associated Hereditary Breast and Ovarian Cancer; Hereditary breast and ovarian cancer syndrome. Identifiers: Orphanet 145, MedGen C0677776, MeSH D061325, MONDO:0003582. Disease mechanism: loss of function.

Submission:

Labcorp Genetics (formerly Invitae), Labcorp
Classification: Uncertain significance for Hereditary breast ovarian cancer syndrome. Last evaluated: 2025-12-08. Review status: criteria provided, single submitter. Criteria: Invitae Variant Classification Sherloc (09022015). Collection method: clinical testing. Allele origin: germline.
Comment: This sequence change replaces serine, which is neutral and polar, with tyrosine, which is neutral and polar, at codon 1268 of the BRCA2 protein (p.Ser1268Tyr). This variant is not present in population databases (gnomAD no frequency). This variant has not been reported in the literature in individuals affected with BRCA2-related conditions. Invitae Evidence Modeling of protein sequence and biophysical properties (such as structural, functional, and spatial information, amino acid conservation, physicochemical variation, residue mobility, and thermodynamic stability) indicates that this missense variant is not expected to disrupt BRCA2 protein function with a negative predictive value of 95%. In summary, the available evidence is currently insufficient to determine the role of this variant in disease. Therefore, it has been classified as a Variant of Uncertain Significance.